The following is an entry in ClinVar:

ClinVar aggregate classification (germline): Uncertain significance (1 of 4 stars; one submission).

Conditions:
PEX16-related disorder. Also called: PEX16-related condition.

gnomAD v4.1: 11 of 1,611,658 alleles (0.00068%); highest among the groups gnomAD compares: African/African-American, 0.013%; no homozygotes.

Submission:

PreventionGenetics, part of Exact Sciences
Classification: Uncertain significance for PEX16-related condition. Last evaluated: 2026-08-07. Review status: criteria provided, single submitter. Criteria: ACMG Guidelines, 2015. Collection method: clinical testing. Allele origin: germline.
Comment: The PEX16 c.1006T>A variant is predicted to result in the amino acid substitution p.Trp336Arg. To our knowledge, this variant has not been reported in the literature. This variant is reported in 0.024% of alleles in individuals of African descent in gnomAD. At this time, the clinical significance of this variant is uncertain due to the absence of conclusive functional and genetic evidence.

NM_004813.4(PEX16):c.*130T>A

Gene: PEX16 (peroxisomal biogenesis factor 16; minus strand). Cytogenetic location: 11p11.2.
Variant type: single nucleotide variant.
Coding change: c.*130T>A on transcript NM_004813.4 (MANE Select); 130 bases downstream of the stop codon, T replaced by A.
Molecular consequence: 3 prime UTR variant. On other transcripts: missense variant (1).
Genome position (GRCh38, 1-based): chr11:45,910,124, A>T on the plus strand (T>A on the coding strand, the complement: PEX16 is on the minus strand). VCF-style: chr11-45910124-A-T. GRCh37 (hg19) VCF-style: chr11-45931675-A-T.
Other names: c.1006T>A, p.Trp336Arg (NM_057174.3); short protein forms W336R.
Identifiers: ClinVar variation 4980908 (VCV004980908.1).